The following is an entry in ClinVar:

ClinVar aggregate classification (germline): Uncertain significance (1 of 4 stars; one submission).

Conditions:
T-cell immunodeficiency, congenital alopecia, and nail dystrophy. Also called: Congenital alopecia and nail dystrophy associated with severe functional T-cell immunodeficiency; Pignata Guarino syndrome. Identifiers: Orphanet 169095, MedGen C1866426, MONDO:0011132, OMIM 601705.

Allele frequency attached by ClinVar (database versions not stated): gnomAD exomes below 0.00001; ExAC 0.00001.
gnomAD v4.1: 1 of 1,614,152 alleles (0.000062%); highest among the groups gnomAD compares: Admixed American, 0.0017%; no homozygotes.

Submission:

Labcorp Genetics (formerly Invitae), Labcorp
Classification: Uncertain significance for T-cell immunodeficiency, congenital alopecia, and nail dystrophy. Last evaluated: 2021-08-27. Review status: criteria provided, single submitter. Criteria: Invitae Variant Classification Sherloc (09022015). Collection method: clinical testing. Allele origin: germline.
Comment: This sequence change replaces lysine with arginine at codon 355 of the FOXN1 protein (p.Lys355Arg). The lysine residue is highly conserved and there is a small physicochemical difference between lysine and arginine. This variant is present in population databases (rs763859965, ExAC 0.009%). This variant has not been reported in the literature in individuals affected with FOXN1-related conditions. Algorithms developed to predict the effect of missense changes on protein structure and function are either unavailable or do not agree on the potential impact of this missense change (SIFT: "Deleterious"; PolyPhen-2: "Probably Damaging"; Align-GVGD: "Class C0"). In summary, the available evidence is currently insufficient to determine the role of this variant in disease. Therefore, it has been classified as a Variant of Uncertain Significance.

NM_001369369.1(FOXN1):c.1064A>G (p.Lys355Arg)

Gene: FOXN1 (forkhead box N1; plus strand). Cytogenetic location: 17q11.2.
Variant type: single nucleotide variant.
Coding change: c.1064A>G on transcript NM_001369369.1 (MANE Select); coding-DNA position 1064, A replaced by G.
Protein change: p.Lys355Arg; replaces lysine 355 with arginine.
Molecular consequence: missense variant.
Genome position (GRCh38, 1-based): chr17:28,534,467, A>G. VCF-style: chr17-28534467-A-G. GRCh37 (hg19) VCF-style: chr17-26861485-A-G.
Other names: c.1064A>G, p.Lys355Arg (NM_003593.3); short protein forms K355R.
Identifiers: ClinVar variation 842372 (VCV000842372.4), dbSNP rs763859965, ClinGen allele CA8459427.